The following is an entry in ClinVar:

ClinVar aggregate classification (germline): Pathogenic (1 of 4 stars; one submission).
ClinVar aggregate classification (oncogenicity): Likely oncogenic (1 of 4 stars; one submission).

Conditions:
Hereditary cancer-predisposing syndrome. Also called: Neoplastic Syndromes, Hereditary; Tumor predisposition; Hereditary Cancer Syndrome; Hereditary neoplastic syndrome. Identifiers: Orphanet 140162, MedGen C0027672, MeSH D009386, MONDO:0015356.
Neoplasm. Also called: tumor; Neoplasms; Neoplasm (disease). Identifiers: MedGen C0027651, MeSH D009369, MONDO:0005070, HP:0002664.

Submissions (2):

Center for Genomic Medicine, Rigshospitalet, Copenhagen University Hospital
Classification: Likely oncogenic for Neoplasm. Last evaluated: 2026-10-16. Review status: criteria provided, single submitter. Criteria: ClinGen/CGC/VICC Guidelines for Oncogenicity, 2022. Collection method: clinical testing. Allele origin: somatic. Affected: yes.

Color Diagnostics, LLC DBA Color Health
Classification: Pathogenic for Hereditary cancer-predisposing syndrome. Last evaluated: 2023-03-06. Review status: criteria provided, single submitter. Criteria: ACMG Guidelines, 2015. Collection method: clinical testing. Allele origin: germline.
Comment: This variant deletes 2 nucleotides in exon 3 of the SMAD4 gene, creating a frameshift and premature translation stop signal. This variant is expected to result in an absent or non-functional protein product. To our knowledge, this variant has not been reported in individuals affected with SMAD4-related disorders in the literature. This variant has not been identified in the general population by the Genome Aggregation Database (gnomAD). Loss of SMAD4 function is a known mechanism of disease. Based on the available evidence, this variant is classified as Pathogenic.

NM_005359.6(SMAD4):c.383_384del (p.Val128fs)

Gene: SMAD4 (SMAD family member 4; plus strand). Cytogenetic location: 18q21.2.
Variant type: Microsatellite.
Coding change: c.383_384del on transcript NM_005359.6 (MANE Select); coding-DNA positions 383 to 384, 2 bases deleted (TG; older notation c.383_384delTG).
Protein change: p.Val128fs; shifts the reading frame from valine 128.
Molecular consequence: frameshift variant. On other transcripts: non-coding transcript variant (2).
Genome position (GRCh38, 1-based): chr18:51,048,819-51,048,820, TG deleted; deleting any 2 consecutive bases within chr18:51,048,815-51,048,820 gives the same sequence; the c. name uses the placement nearest the transcript's 3' end. VCF-style (leftmost placement, unchanged base first): chr18-51048814-CTG-C. GRCh37 (hg19) VCF-style: chr18-48575184-CTG-C.
Other names: c.383_384delTG (NM_005359.6); c.383_384del, p.Val128fs (NM_001407041.1, NM_001407042.1, NM_001407043.1); short protein forms V128fs.
Identifiers: ClinVar variation 2774521 (VCV002774521.3), dbSNP rs2511369654, ClinGen allele CA2697555507.
Genomic context (GRCh38, chr18:51,048,814, plus strand): 5'-AAATGAACTAAAACATGTTAAATATTGTCAGTATGCGTTTGACTTAAAATGTGATAGTGT[CTG>C]TGTGAATCCATATCACTACGAACGAGTTGTATCACCTGGAATTGGTAAGTAGACTTTGCT-3'